The following is an entry in ClinVar:

ClinVar aggregate classification (germline): Uncertain significance (1 of 4 stars; one submission).

Submission:

Labcorp Genetics (formerly Invitae), Labcorp
Classification: Uncertain significance. Last evaluated: 2022-06-23. Review status: criteria provided, single submitter. Criteria: Invitae Variant Classification Sherloc (09022015). Collection method: clinical testing. Allele origin: germline.
Comment: Algorithms developed to predict the effect of missense changes on protein structure and function output the following: SIFT: "Tolerated"; PolyPhen-2: "Benign"; Align-GVGD: "Class C0". The arginine amino acid residue is found in multiple mammalian species, which suggests that this missense change does not adversely affect protein function. In summary, the available evidence is currently insufficient to determine the role of this variant in disease. Therefore, it has been classified as a Variant of Uncertain Significance. This sequence change replaces lysine, which is basic and polar, with arginine, which is basic and polar, at codon 118 of the POLA1 protein (p.Lys118Arg). This variant is not present in population databases (gnomAD no frequency). This variant has not been reported in the literature in individuals affected with POLA1-related conditions.

NM_001330360.2(POLA1):c.371A>G (p.Lys124Arg)

Gene: POLA1 (DNA polymerase alpha 1, catalytic subunit; plus strand). Cytogenetic location: Xp22.11.
Variant type: single nucleotide variant.
Coding change: c.371A>G on transcript NM_001330360.2 (MANE Select); coding-DNA position 371, A replaced by G.
Protein change: p.Lys124Arg; replaces lysine 124 with arginine.
Molecular consequence: missense variant. On other transcripts: non-coding transcript variant (2).
Genome position (GRCh38, 1-based): chrX:24,714,578, A>G. VCF-style: chrX-24714578-A-G. GRCh37 (hg19) VCF-style: chrX-24732695-A-G.
Other names: c.371A>G, p.Lys124Arg (NM_001378303.1); c.353A>G, p.Lys118Arg (NM_016937.4); short protein forms K118R, K124R.
Identifiers: ClinVar variation 2007916 (VCV002007916.4), dbSNP rs2518753583, ClinGen allele CA412526637.